The following is an entry in ClinVar:

NM_024809.5(TCTN2):c.565-1G>A

Gene: TCTN2 (tectonic family member 2; plus strand). Cytogenetic location: 12q24.31.
Variant type: single nucleotide variant.
Coding change: c.565-1G>A on transcript NM_024809.5 (MANE Select); the canonical splice acceptor site of the intron before coding-DNA position 565, G replaced by A.
Molecular consequence: splice acceptor variant.
Genome position (GRCh38, 1-based): chr12:123,686,835, G>A. VCF-style: chr12-123686835-G-A. GRCh37 (hg19) VCF-style: chr12-124171382-G-A.
Other names: c.565-1G>A (NM_001410989.1); c.562-1G>A (NM_001143850.3).
Identifiers: ClinVar variation 2141508 (VCV002141508.6), dbSNP rs780032084, ClinGen allele CA387161262.

ClinVar aggregate classification (germline): Likely pathogenic. Review status: criteria provided, multiple submitters, no conflicts (2 of 4 stars). 3 submissions from 3 submitters: Likely pathogenic (3). Last evaluated 2025-07-21.

Conditions:
TCTN2-related disorder. Also called: TCTN2-related condition; TCTN2-related disorders. Identifiers: MedGen CN239412.
Meckel syndrome, type 8. Identifiers: Orphanet 564, MedGen C3836857, MONDO:0013482, OMIM 613885.
Joubert syndrome 24 (JBTS24). Identifiers: Orphanet 475, MedGen C4084841, MONDO:0014724, OMIM 616654.
Meckel-Gruber syndrome. Also called: GRUBER SYNDROME; DYSENCEPHALIA SPLANCHNOCYSTICA; Dysencephalia splachnocystica. Identifiers: Orphanet 564, MedGen C0265215, MONDO:0018921.
Joubert syndrome. Also called: JOUBERT-BOLTSHAUSER SYNDROME; Familial aplasia of the vermis. Identifiers: Orphanet 475, MedGen C5979921, MONDO:0018772.

gnomAD v4.1: 2 of 1,614,204 alleles (0.00012%); highest among the groups gnomAD compares: Non-Finnish European, 0.00017%; no homozygotes.

Submissions (3):

Labcorp Genetics (formerly Invitae), Labcorp
Classification: Likely pathogenic for Joubert syndrome; Meckel-Gruber syndrome. Last evaluated: 2025-07-21. Review status: criteria provided, single submitter. Criteria: Invitae Variant Classification Sherloc (09022015). Collection method: clinical testing. Allele origin: germline.
Comment: This sequence change affects an acceptor splice site in intron 5 of the TCTN2 gene. It is expected to disrupt RNA splicing. Variants that disrupt the donor or acceptor splice site typically lead to a loss of protein function (PMID: 16199547), and loss-of-function variants in TCTN2 are known to be pathogenic (PMID: 21565611). This variant is not present in population databases (gnomAD no frequency). This variant has not been reported in the literature in individuals affected with TCTN2-related conditions. ClinVar contains an entry for this variant (Variation ID: 2141508). Algorithms developed to predict the effect of sequence changes on RNA splicing suggest that this variant may disrupt the consensus splice site. In summary, the currently available evidence indicates that the variant is pathogenic, but additional data are needed to prove that conclusively. Therefore, this variant has been classified as Likely Pathogenic.

Fulgent Genetics
Classification: Likely pathogenic for Meckel syndrome, type 8; Joubert syndrome 24. Last evaluated: 2024-03-20. Review status: criteria provided, single submitter. Criteria: ACMG Guidelines, 2015. Collection method: clinical testing. Allele origin: germline.

Blueprint Genetics
Classification: Likely pathogenic for TCTN2-related disorders. Last evaluated: 2022-12-12. Review status: criteria provided, single submitter. Criteria: ACMG Guidelines, 2015. Collection method: clinical testing. Allele origin: germline. Affected: yes. Observed: 2 variant alleles.

Literature cited by the submitters: PubMed 16199547 (cited by Labcorp Genetics (formerly Invitae), Labcorp); PubMed 21565611 (cited by Labcorp Genetics (formerly Invitae), Labcorp).